The following is an entry in ClinVar:

ClinVar aggregate classification (germline): Benign/Likely benign. Review status: criteria provided, multiple submitters, no conflicts (2 of 4 stars). 3 submissions from 3 submitters: Benign (1); Likely benign (2). Last evaluated 2026-05-20.

Conditions:
Neurofibromatosis, type 1 (NF1). Also called: Peripheral type neurofibromatosis; NEUROFIBROMATOSIS, TYPE I, SOMATIC; VON RECKLINGHAUSEN DISEASE; Neurofibromatosis, type I. Identifiers: Orphanet 636, MedGen C0027831, MONDO:0018975, OMIM 162200. Disease mechanism: loss of function.
Cardiovascular phenotype. Identifiers: MedGen CN230736.
Hereditary cancer-predisposing syndrome. Also called: Neoplastic Syndromes, Hereditary; Tumor predisposition; Hereditary Cancer Syndrome; Hereditary neoplastic syndrome. Identifiers: Orphanet 140162, MedGen C0027672, MeSH D009386, MONDO:0015356.

Submissions (3):

Myriad Genetics, Inc.
Classification: Benign for Neurofibromatosis, type 1. Last evaluated: 2026-05-20. Review status: criteria provided, single submitter. Criteria: Myriad Autosomal Dominant, Autosomal Recessive and X-Linked Classification Criteria (2023). Collection method: clinical testing. Allele origin: unknown.
Comment: This variant is considered benign. This variant is a silent/synonymous amino acid change and it is not expected to impact splicing.

Ambry Genetics
Classification: Likely benign for Cardiovascular phenotype; Hereditary cancer-predisposing syndrome. Last evaluated: 2024-07-03. Review status: criteria provided, single submitter. Criteria: Ambry Variant Classification Scheme 2023. Collection method: clinical testing. Allele origin: germline.

Labcorp Genetics (formerly Invitae), Labcorp
Classification: Likely benign for Neurofibromatosis, type 1. Last evaluated: 2022-09-27. Review status: criteria provided, single submitter. Criteria: Invitae Variant Classification Sherloc (09022015). Collection method: clinical testing. Allele origin: germline.

NM_001042492.3(NF1):c.5685A>G (p.Thr1895=)

Gene: NF1 (neurofibromin 1; plus strand). Cytogenetic location: 17q11.2.
Variant type: single nucleotide variant.
Coding change: c.5685A>G on transcript NM_001042492.3 (MANE Select); coding-DNA position 5685, A replaced by G.
Protein change: p.Thr1895=; no amino-acid change (threonine 1895 retained).
Molecular consequence: synonymous variant.
Genome position (GRCh38, 1-based): chr17:31,330,371, A>G. VCF-style: chr17-31330371-A-G. GRCh37 (hg19) VCF-style: chr17-29657389-A-G.
Other names: c.5622A>G, p.Thr1874= (NM_000267.4).
Identifiers: ClinVar variation 1139462 (VCV001139462.9), dbSNP rs2151544609, ClinGen allele CA499233437.